The following is an entry in ClinVar:

ClinVar aggregate classification (germline): Uncertain significance (1 of 4 stars; one submission).

Conditions:
Mitochondrial complex II deficiency, nuclear type 1. Also called: SUCCINATE CoQ REDUCTASE DEFICIENCY. Identifiers: Orphanet 3208, MedGen C5700310, MONDO:0100294, OMIM 252011.
Pheochromocytoma/paraganglioma syndrome 5. Also called: Paragangliomas 5; SDHA-Related Hereditary Paraganglioma-Pheochromocytoma Syndrome. Identifiers: Orphanet 29072, MedGen C3279992, MONDO:0013602, OMIM 614165.

Submission:

Labcorp Genetics (formerly Invitae), Labcorp
Classification: Uncertain significance for Pheochromocytoma/paraganglioma syndrome 5; Mitochondrial complex II deficiency, nuclear type 1. Last evaluated: 2025-08-25. Review status: criteria provided, single submitter. Criteria: Invitae Variant Classification Sherloc (09022015). Collection method: clinical testing. Allele origin: germline.
Comment: This sequence change replaces alanine, which is neutral and non-polar, with glycine, which is neutral and non-polar, at codon 255 of the SDHA protein (p.Ala255Gly). This variant is not present in population databases (gnomAD no frequency). This variant has not been reported in the literature in individuals affected with SDHA-related conditions. Invitae Evidence Modeling of protein sequence and biophysical properties (such as structural, functional, and spatial information, amino acid conservation, physicochemical variation, residue mobility, and thermodynamic stability) has been performed for this missense variant. However, the output from this modeling did not meet the statistical confidence thresholds required to predict the impact of this variant on SDHA protein function. In summary, the available evidence is currently insufficient to determine the role of this variant in disease. Therefore, it has been classified as a Variant of Uncertain Significance.

NM_004168.4(SDHA):c.764C>G (p.Ala255Gly)

Gene: SDHA (succinate dehydrogenase complex flavoprotein subunit A; plus strand). Cytogenetic location: 5p15.33.
Variant type: single nucleotide variant.
Coding change: c.764C>G on transcript NM_004168.4 (MANE Select); coding-DNA position 764, C replaced by G.
Protein change: p.Ala255Gly; replaces alanine 255 with glycine.
Molecular consequence: missense variant.
Genome position (GRCh38, 1-based): chr5:228,327, C>G. VCF-style: chr5-228327-C-G. GRCh37 (hg19) VCF-style: chr5-228442-C-G.
Other names: c.620C>G, p.Ala207Gly (NM_001294332.2); c.764C>G, p.Ala255Gly (NM_001330758.2); short protein forms A255G, A207G.
Identifiers: ClinVar variation 4789754 (VCV004789754.1).
Genomic context (GRCh38, chr5:228,327, plus strand): 5'-TCGCACTGTGCATAGAGGACGGGTCCATCCATCGCATAAGAGCAAAGAACACTGTTGTTG[C>G]CACAGGGTAGGAATCTCATTTCTACTTTATTTTGTTTATAAAAATGAATAAATTTCATTT-3'
Protein context (NP_004159.2, residues 245-265): HRIRAKNTVV[Ala255Gly]TGGYGRTYFS